The following is an entry in ClinVar:

ClinVar aggregate classification (germline): Uncertain significance (1 of 4 stars; one submission).

Conditions:
Hereditary cancer-predisposing syndrome. Also called: Tumor predisposition; Hereditary neoplastic syndrome; Hereditary Cancer Syndrome; Neoplastic Syndromes, Hereditary. Identifiers: Orphanet 140162, MedGen C0027672, MeSH D009386, MONDO:0015356.

Allele frequency attached by ClinVar (database versions not stated): gnomAD exomes below 0.00001.
gnomAD v4.1: 1 of 1,614,086 alleles (0.000062%); highest among the groups gnomAD compares: Non-Finnish European, 0.000085%; no homozygotes.

Submission:

Ambry Genetics
Classification: Uncertain significance for Hereditary cancer-predisposing syndrome. Last evaluated: 2024-01-31. Review status: criteria provided, single submitter. Criteria: Ambry Variant Classification Scheme 2023. Collection method: clinical testing. Allele origin: germline.
Comment: The p.N504S variant (also known as c.1511A>G), located in coding exon 6 of the BLM gene, results from an A to G substitution at nucleotide position 1511. The asparagine at codon 504 is replaced by serine, an amino acid with highly similar properties. This amino acid position is conserved. In addition, this alteration is predicted to be tolerated by in silico analysis. Based on the available evidence, the clinical significance of this alteration remains unclear.

NM_000057.4(BLM):c.1511A>G (p.Asn504Ser)

Gene: BLM (BLM RecQ like helicase; plus strand). Cytogenetic location: 15q26.1.
Variant type: single nucleotide variant.
Coding change: c.1511A>G on transcript NM_000057.4 (MANE Select); coding-DNA position 1511, A replaced by G.
Protein change: p.Asn504Ser; replaces asparagine 504 with serine.
Molecular consequence: missense variant.
Genome position (GRCh38, 1-based): chr15:90,760,884, A>G. VCF-style: chr15-90760884-A-G. GRCh37 (hg19) VCF-style: chr15-91304114-A-G.
Other names: c.1511A>G, p.Asn504Ser (NM_001287246.2, NM_001287247.2); c.386A>G, p.Asn129Ser (NM_001287248.2); short protein forms N129S, N504S.
Identifiers: ClinVar variation 3223942 (VCV003223942.1), dbSNP rs2505426681, ClinGen allele CA393843217.